The following is an entry in ClinVar:

ClinVar aggregate classification (germline): Uncertain significance (1 of 4 stars; one submission).

Allele frequency attached by ClinVar (database versions not stated): gnomAD 0.00001; gnomAD exomes 0.00001 and 0.00002; TOPMed 0.00001; ExAC 0.00002.
gnomAD v4.1: 35 of 1,613,550 alleles (0.0022%); highest among the groups gnomAD compares: Middle Eastern, 0.016%; no homozygotes.

Submission:

Labcorp Genetics (formerly Invitae), Labcorp
Classification: Uncertain significance. Last evaluated: 2025-07-08. Review status: criteria provided, single submitter. Criteria: Invitae Variant Classification Sherloc (09022015). Collection method: clinical testing. Allele origin: germline.
Comment: This sequence change replaces asparagine, which is neutral and polar, with serine, which is neutral and polar, at codon 824 of the RP1 protein (p.Asn824Ser). This variant is present in population databases (rs768767284, gnomAD 0.003%). This variant has not been reported in the literature in individuals affected with RP1-related conditions. ClinVar contains an entry for this variant (Variation ID: 1041076). An algorithm developed to predict the effect of missense changes on protein structure and function outputs the following: PolyPhen-2: "Possibly Damaging". The serine amino acid residue is found in multiple mammalian species, which suggests that this missense change does not adversely affect protein function. In summary, the available evidence is currently insufficient to determine the role of this variant in disease. Therefore, it has been classified as a Variant of Uncertain Significance.

NM_006269.2(RP1):c.2471A>G (p.Asn824Ser)

Gene: RP1 (RP1 axonemal microtubule associated; plus strand). Cytogenetic location: 8q12.1.
Variant type: single nucleotide variant.
Coding change: c.2471A>G on transcript NM_006269.2 (MANE Select); coding-DNA position 2471, A replaced by G.
Protein change: p.Asn824Ser; replaces asparagine 824 with serine.
Molecular consequence: missense variant. On other transcripts: intron variant (1).
Genome position (GRCh38, 1-based): chr8:54,626,353, A>G. VCF-style: chr8-54626353-A-G. GRCh37 (hg19) VCF-style: chr8-55538913-A-G.
Other names: c.787+4065A>G (NM_001375654.1); short protein forms N824S.
Identifiers: ClinVar variation 1041076 (VCV001041076.8), dbSNP rs768767284, ClinGen allele CA4751540.
Genomic context (GRCh38, chr8:54,626,353, plus strand): 5'-ACAATGAATCTAAATATTGCAAAAGTACTTTTGAAAACAAAAGTTTATTTCATGTATTTA[A>G]CATCCTTGAGCAAAAACCCAAAGATTTTTATGCACCGCAATCTCAAGCAGAAGTGGCATC-3'
Protein context (NP_006260.1, residues 814-834): FENKSLFHVF[Asn824Ser]ILEQKPKDFY